The following is an entry in ClinVar:

NM_198173.3(GRHL3):c.781G>A (p.Val261Ile)

Gene: GRHL3 (grainyhead like transcription factor 3; plus strand). Cytogenetic location: 1p36.11.
Variant type: single nucleotide variant.
Coding change: c.781G>A on transcript NM_198173.3 (MANE Select); coding-DNA position 781, G replaced by A.
Protein change: p.Val261Ile; replaces valine 261 with isoleucine.
Molecular consequence: missense variant.
Genome position (GRCh38, 1-based): chr1:24,337,730, G>A. VCF-style: chr1-24337730-G-A. GRCh37 (hg19) VCF-style: chr1-24664220-G-A.
Other names: c.781G>A (NM_198173.2); c.643G>A, p.Val215Ile (NM_001195010.2); c.796G>A, p.Val266Ile (NM_021180.4); c.781G>A, p.Val261Ile (NM_198174.3); short protein forms V215I, V261I, V266I.
Identifiers: ClinVar variation 790224 (VCV000790224.13), dbSNP rs145470039, ClinGen allele CA689991.

ClinVar aggregate classification (germline): Benign. Review status: criteria provided, single submitter (1 of 4 stars). 2 submissions from 2 submitters: Benign (1). 1 of the submissions does not count toward it. Last evaluated 2025-11-04.

Conditions:
GRHL3-related disorder. Also called: GRHL3-related condition.
Van der Woude syndrome 2 (VWS2). Identifiers: Orphanet 888, MedGen C1847604, MONDO:0011712, OMIM 606713.

Allele frequency attached by ClinVar (database versions not stated): gnomAD exomes 0.00011 and 0.00033; ExAC 0.00037; gnomAD 0.00098 and 0.00101; ESP Exome Variant Server 0.00123; TOPMed 0.00125; 1000 Genomes Project 30x 0.00172; 1000 Genomes Project 0.00180.

Submissions (2):

Labcorp Genetics (formerly Invitae), Labcorp
Classification: Benign for Van der Woude syndrome 2. Last evaluated: 2025-11-04. Review status: criteria provided, single submitter. Criteria: Invitae Variant Classification Sherloc (09022015). Collection method: clinical testing. Allele origin: germline.

PreventionGenetics, part of Exact Sciences
Classification: Likely benign for GRHL3-related condition. Last evaluated: 2024-08-29. Review status: no assertion criteria provided. Collection method: clinical testing. Allele origin: germline. Not counted in ClinVar's aggregate classification.
Comment: This variant is classified as likely benign based on ACMG/AMP sequence variant interpretation guidelines (Richards et al. 2015 PMID: 25741868, with internal and published modifications).